The following is an entry in ClinVar:

NM_000202.8(IDS):c.1563A>T (p.Glu521Asp)

Gene: IDS (iduronate 2-sulfatase; minus strand). Cytogenetic location: Xq28.
Variant type: single nucleotide variant.
Coding change: c.1563A>T on transcript NM_000202.8 (MANE Select); coding-DNA position 1563, A replaced by T.
Protein change: p.Glu521Asp; replaces glutamic acid 521 with aspartic acid.
Molecular consequence: missense variant.
Genome position (GRCh38, 1-based): chrX:149,482,836, T>A on the plus strand (A>T on the coding strand, the complement: IDS is on the minus strand). VCF-style: chrX-149482836-T-A. GRCh37 (hg19) VCF-style: chrX-148564367-T-A.
Other names: c.1293A>T, p.Glu431Asp (NM_001166550.4); short protein forms E521D, E431D.
Identifiers: ClinVar variation 638086 (VCV000638086.3), dbSNP rs1602725543, ClinGen allele CA414517809.

ClinVar aggregate classification (germline): Likely pathogenic (1 of 4 stars; one submission).

Conditions:
Mucopolysaccharidosis, MPS-II (MPS2). Also called: IDS deficiency; Sulfoiduronate sulfatase deficiency; SIDS deficiency; Mucopolysaccharidosis type 2; Attenuated MPS (subtype; formerly known as mild MPS II); Severe MPS II. Identifiers: Orphanet 580, Orphanet 79388, MedGen C0026705, MONDO:0010674, OMIM 309900.

Submission:

Laboratory of Diagnosis and Therapy of Lysosomal Disorders, University of Padova
Classification: Likely pathogenic for Mucopolysaccharidosis, MPS-II. Last evaluated: 2024-06-07. Review status: criteria provided, single submitter. Criteria: ACMG Guidelines, 2015. Collection method: literature only. Allele origin: germline. Affected: yes. Observed: 1 variant allele.
Comment: Absent from controls (or at low frequency) in gnomAD database (PM2_Moderate), Missense variant in a gene with a low rate of benign missense variation (PP2_Supporting), Multiple lines of computational evidence support a deleterious effect (PP3_Supporting), Patient’s phenotype or family history highly specific for the disease (PP4_Strong)

Classification method: ACMG Guidelines [PMID:25741868] with modifications

Literature cited by the submitters: PubMed 30809705.